The following is an entry in ClinVar:

ClinVar aggregate classification (germline): Conflicting classifications of pathogenicity. Review status: criteria provided, conflicting classifications (1 of 4 stars). 4 submissions from 4 submitters: Uncertain significance (1); Likely benign (3). Last evaluated 2024-11-16.

Conditions:
EP300-related disorder. Also called: EP300-related condition; EP300-related disorders.
Rubinstein-Taybi syndrome due to EP300 haploinsufficiency. Also called: EP300-Related Rubinstein-Taybi Syndrome; RUBINSTEIN-TAYBI SYNDROME 2. Identifiers: Orphanet 353284, Orphanet 783, MedGen C3150941, MONDO:0013364, OMIM 613684.

Allele frequency attached by ClinVar (database versions not stated): 1000 Genomes Project 30x 0.00016; 1000 Genomes Project 0.00020; gnomAD exomes below 0.00001 and 0.00001; ExAC 0.00001; gnomAD 0.00002; TOPMed 0.00005.
gnomAD v4.1: 15 of 1,614,206 alleles (0.00093%); highest among the groups gnomAD compares: Admixed American, 0.005%; no homozygotes.

Submissions (4):

PreventionGenetics, part of Exact Sciences
Classification: Likely benign for EP300-related condition. Last evaluated: 2024-11-16. Review status: criteria provided, single submitter. Criteria: ACMG Guidelines, 2015. Collection method: clinical testing. Allele origin: germline.
Comment: This variant is classified as likely benign based on ACMG/AMP sequence variant interpretation guidelines (Richards et al. 2015 PMID: 25741868, with internal and published modifications).

Women's Health and Genetics/Laboratory Corporation of America, LabCorp
Classification: Uncertain significance. Last evaluated: 2024-09-23. Review status: criteria provided, single submitter. Criteria: LabCorp Variant Classification Summary - May 2015. Collection method: clinical testing. Allele origin: germline.
Comment: Variant summary: EP300 c.1991T>C (p.Met664Thr) results in a non-conservative amino acid change in the encoded protein sequence. Four of five in-silico tools predict a damaging effect of the variant on protein function. The variant allele was found at a frequency of 8e-06 in 251354 control chromosomes. The available data on variant occurrences in the general population are insufficient to allow any conclusion about variant significance. To our knowledge, no occurrence of c.1991T>C in individuals affected with Rubinstein-Taybi Syndrome 2 and no experimental evidence demonstrating its impact on protein function have been reported. ClinVar contains an entry for this variant (Variation ID: 1201502). Based on the evidence outlined above, the variant was classified as uncertain significance.

Labcorp Genetics (formerly Invitae), Labcorp
Classification: Likely benign for Rubinstein-Taybi syndrome due to EP300 haploinsufficiency. Last evaluated: 2024-06-25. Review status: criteria provided, single submitter. Criteria: Invitae Variant Classification Sherloc (09022015). Collection method: clinical testing. Allele origin: germline.

GeneDx
Classification: Likely benign. Last evaluated: 2019-08-06. Review status: criteria provided, single submitter. Criteria: GeneDx Variant Classification Process June 2021. Collection method: clinical testing. Allele origin: germline. Affected: yes.

NM_001429.4(EP300):c.1991T>C (p.Met664Thr)

Gene: EP300 (EP300 lysine acetyltransferase; plus strand). Cytogenetic location: 22q13.2.
Variant type: single nucleotide variant.
Coding change: c.1991T>C on transcript NM_001429.4 (MANE Select); coding-DNA position 1991, T replaced by C.
Protein change: p.Met664Thr; replaces methionine 664 with threonine.
Molecular consequence: missense variant.
Genome position (GRCh38, 1-based): chr22:41,141,160, T>C. VCF-style: chr22-41141160-T-C. GRCh37 (hg19) VCF-style: chr22-41537164-T-C.
Other names: c.1991T>C, p.Met664Thr (NM_001362843.2); short protein forms M664T.
Identifiers: ClinVar variation 1201502 (VCV001201502.7), dbSNP rs547684073, ClinGen allele CA10252685.